The following is an entry in ClinVar:

ClinVar aggregate classification (germline): Likely pathogenic (1 of 4 stars; one submission).

Conditions:
Microcephaly 2, primary, autosomal recessive, with or without cortical malformations. Also called: MICROCEPHALY 2, PRIMARY, AUTOSOMAL RECESSIVE, WITH CORTICAL MALFORMATIONS; WDR62 Primary Microcephaly. Identifiers: Orphanet 2512, MedGen C1858535, MONDO:0011435, OMIM 604317.

Submission:

Juno Genomics, Hangzhou Juno Genomics, Inc
Classification: Likely pathogenic for Microcephaly 2, primary, autosomal recessive, with or without cortical malformations. Review status: criteria provided, single submitter. Criteria: ACMG Guidelines, 2015. Collection method: clinical testing. Allele origin: germline.
Comment: Null variant in a gene where loss of function (LOF) is a known mechanism of disease.;Absent from controls (or at extremely low frequency if recessive) in Genome Aggregation Database.

NM_001083961.2(WDR62):c.2638C>T (p.Gln880Ter)

Gene: WDR62 (WD repeat domain 62; plus strand). Cytogenetic location: 19q13.12.
Variant type: single nucleotide variant.
Coding change: c.2638C>T on transcript NM_001083961.2 (MANE Select); coding-DNA position 2638, C replaced by T.
Protein change: p.Gln880Ter; replaces glutamine 880 with a stop codon.
Molecular consequence: nonsense.
Genome position (GRCh38, 1-based): chr19:36,099,516, C>T. VCF-style: chr19-36099516-C-T. GRCh37 (hg19) VCF-style: chr19-36590418-C-T.
Other names: c.2623C>T, p.Gln875Ter (NM_001411145.1); c.2638C>T, p.Gln880Ter (NM_001411146.1, NM_173636.5); c.2287C>T, p.Gln763Ter (NM_001411147.1); short protein forms Q875*, Q763*, Q880*.
Identifiers: ClinVar variation 5005972 (VCV005005972.2).
Genomic context (GRCh38, chr19:36,099,516, plus strand): 5'-CCCCACGGCCGCTGGGCAGAGCGGGCCGGCCAAGAGCCCCTCAAGACCATCCTGGATGCC[C>T]AGGACCTGGATTGCTACTTTACCCCCATGAAGCCCGAGAGTCTGGAGAACTCCATTCTGG-3'